The following is an entry in ClinVar:

ClinVar aggregate classification (germline): Uncertain significance (1 of 4 stars; one submission).

Conditions:
Hereditary cancer-predisposing syndrome. Also called: Hereditary neoplastic syndrome; Neoplastic Syndromes, Hereditary; Tumor predisposition; Hereditary Cancer Syndrome. Identifiers: Orphanet 140162, MedGen C0027672, MeSH D009386, MONDO:0015356.

Submission:

Ambry Genetics
Classification: Uncertain significance for Hereditary cancer-predisposing syndrome. Last evaluated: 2025-06-18. Review status: criteria provided, single submitter. Criteria: Ambry Variant Classification Scheme 2023. Collection method: clinical testing. Allele origin: germline.
Comment: The p.E594G variant (also known as c.1781A>G), located in coding exon 16 of the NF2 gene, results from an A to G substitution at nucleotide position 1781. The glutamic acid at codon 594 is replaced by glycine, an amino acid with similar properties. This amino acid position is conserved. In addition, the in silico prediction for this alteration is inconclusive. Based on the available evidence, the clinical significance of this variant remains unclear.

NM_000268.4(NF2):c.1781A>G (p.Glu594Gly)

Gene: NF2 (NF2, moesin-ezrin-radixin like (MERLIN) tumor suppressor; plus strand). Cytogenetic location: 22q12.2.
Variant type: single nucleotide variant.
Coding change: c.1781A>G on transcript NM_000268.4 (MANE Select); coding-DNA position 1781, A replaced by G.
Protein change: p.Glu594Gly; replaces glutamic acid 594 with glycine.
Molecular consequence: missense variant. On other transcripts: 3 prime UTR variant (11), non-coding transcript variant (1).
Genome position (GRCh38, 1-based): chr22:29,694,795, A>G. VCF-style: chr22-29694795-A-G. GRCh37 (hg19) VCF-style: chr22-30090784-A-G.
Other names: c.1667A>G, p.Glu556Gly (NM_001407053.1); c.1658A>G, p.Glu553Gly (NM_001407054.1); c.1655A>G, p.Glu552Gly (NM_001407055.1); c.*53A>G (NM_001407056.1, NM_001407059.1, NM_001407065.1 and 5 more transcripts); c.1646A>G, p.Glu549Gly (NM_001407057.1); c.*68A>G (NM_001407058.1, NM_001407063.1, NM_181832.3); c.1618A>G, p.Ser540Gly (NM_001407060.1); c.1523A>G, p.Glu508Gly (NM_001407062.1); and 2 more; short protein forms E164G, E549G, E556G, E553G, E594G, S540G, E508G, S457G.
Identifiers: ClinVar variation 4119204 (VCV004119204.1).
Genomic context (GRCh38, chr22:29,694,795, plus strand): 5'-TCTCTGCTTTCTTACAGCTCACCTTGCAGAGCGCCAAGTCCCGAGTGGCCTTCTTTGAAG[A>G]GCTCTAGCAGGTGACCCAGCCACCCCAGGACCTGCCACTTCTCCTGCTACCGGGACCGCG-3'
Protein context (NP_000259.1, residues 584-595): SAKSRVAFFE[Glu594Gly]L